The following is an entry in ClinVar:

NM_025257.3(SLC44A4):c.2098G>C (p.Glu700Gln)

Gene: SLC44A4 (solute carrier family 44 member 4; minus strand). Cytogenetic location: 6p21.33.
Variant type: single nucleotide variant.
Coding change: c.2098G>C on transcript NM_025257.3 (MANE Select); coding-DNA position 2098, G replaced by C.
Protein change: p.Glu700Gln; replaces glutamic acid 700 with glutamine.
Molecular consequence: missense variant.
Genome position (GRCh38, 1-based): chr6:31,863,662, C>G on the plus strand (G>C on the coding strand, the complement: SLC44A4 is on the minus strand). VCF-style: chr6-31863662-C-G. GRCh37 (hg19) VCF-style: chr6-31831439-C-G.
Other names: c.1972G>C, p.Glu658Gln (NM_001178044.2); c.1870G>C, p.Glu624Gln (NM_001178045.2); c.2098G>C, p.Glu700Gln (NM_032794.1); short protein forms E624Q, E658Q, E700Q.
Identifiers: ClinVar variation 1909535 (VCV001909535.5), dbSNP rs1762676479, ClinGen allele CA363498818.
Genomic context (GRCh38, chr6:31,863,662, plus strand): 5'-CAGTCCTGGATCAGGGCCGGAGCTGTCACTTCTTCCTCTTCTTGTTGTCCGGGGGCGCCT[C>G]GTTCTTCTTGCCCAGAATCTTTAGAAGGCTCTTGGACATGTAGTAGGGCCGGTCCAGGGA-3'
Protein context (NP_079533.2, residues 690-710): SLLKILGKKN[Glu700Gln]APPDNKKRKK

ClinVar aggregate classification (germline): Uncertain significance (1 of 4 stars; one submission).

Submission:

Labcorp Genetics (formerly Invitae), Labcorp
Classification: Uncertain significance. Last evaluated: 2022-07-26. Review status: criteria provided, single submitter. Criteria: Invitae Variant Classification Sherloc (09022015). Collection method: clinical testing. Allele origin: germline.
Comment: In summary, the available evidence is currently insufficient to determine the role of this variant in disease. Therefore, it has been classified as a Variant of Uncertain Significance. Algorithms developed to predict the effect of missense changes on protein structure and function output the following: SIFT: "Not Available"; PolyPhen-2: "Benign"; Align-GVGD: "Not Available". The glutamine amino acid residue is found in multiple mammalian species, which suggests that this missense change does not adversely affect protein function. This variant has not been reported in the literature in individuals affected with SLC44A4-related conditions. This variant is not present in population databases (gnomAD no frequency). This sequence change replaces glutamic acid, which is acidic and polar, with glutamine, which is neutral and polar, at codon 700 of the SLC44A4 protein (p.Glu700Gln).